The following is an entry in ClinVar:

ClinVar aggregate classification (germline): Uncertain significance (1 of 4 stars; one submission).

Conditions:
Charcot-Marie-Tooth disease type 2. Also called: Charcot-Marie-Tooth type 2. Identifiers: Orphanet 64746, MedGen C0270914, MONDO:0018993.

Allele frequency attached by ClinVar (database versions not stated): gnomAD exomes below 0.00001; TOPMed 0.00001.
gnomAD v4.1: 1 of 1,614,254 alleles (0.000062%); highest among the groups gnomAD compares: Admixed American, 0.0017%; no homozygotes.

Submission:

Labcorp Genetics (formerly Invitae), Labcorp
Classification: Uncertain significance for Charcot-Marie-Tooth disease type 2. Last evaluated: 2025-02-19. Review status: criteria provided, single submitter. Criteria: Invitae Variant Classification Sherloc (09022015). Collection method: clinical testing. Allele origin: germline.
Comment: This sequence change replaces leucine, which is neutral and non-polar, with isoleucine, which is neutral and non-polar, at codon 594 of the MFN2 protein (p.Leu594Ile). This variant is present in population databases (no rsID available, gnomAD 0.003%). This variant has not been reported in the literature in individuals affected with MFN2-related conditions. ClinVar contains an entry for this variant (Variation ID: 1461876). Invitae Evidence Modeling of protein sequence and biophysical properties (such as structural, functional, and spatial information, amino acid conservation, physicochemical variation, residue mobility, and thermodynamic stability) indicates that this missense variant is not expected to disrupt MFN2 protein function with a negative predictive value of 80%. In summary, the available evidence is currently insufficient to determine the role of this variant in disease. Therefore, it has been classified as a Variant of Uncertain Significance.

NM_014874.4(MFN2):c.1780C>A (p.Leu594Ile)

Gene: MFN2 (mitofusin 2; plus strand). Cytogenetic location: 1p36.22.
Variant type: single nucleotide variant.
Coding change: c.1780C>A on transcript NM_014874.4 (MANE Select); coding-DNA position 1780, C replaced by A.
Protein change: p.Leu594Ile; replaces leucine 594 with isoleucine.
Molecular consequence: missense variant.
Genome position (GRCh38, 1-based): chr1:12,006,601, C>A. VCF-style: chr1-12006601-C-A. GRCh37 (hg19) VCF-style: chr1-12066658-C-A.
Other names: c.1780C>A, p.Leu594Ile (NM_001127660.2); short protein forms L594I.
Identifiers: ClinVar variation 1461876 (VCV001461876.8), dbSNP rs1280803045, ClinGen allele CA338448636.